The following is an entry in ClinVar:

ClinVar aggregate classification (germline): Uncertain significance (1 of 4 stars; one submission).

Conditions:
Familial hemophagocytic lymphohistiocytosis 4 (FHL4). Also called: STX11-Related Familial Hemophagocytic Lymphohistiocytosis (STX11-fHLH). Identifiers: Orphanet 540, MedGen C1863728, MONDO:0011336, OMIM 603552.

Submission:

Labcorp Genetics (formerly Invitae), Labcorp
Classification: Uncertain significance for Familial hemophagocytic lymphohistiocytosis 4. Last evaluated: 2022-04-25. Review status: criteria provided, single submitter. Criteria: Invitae Variant Classification Sherloc (09022015). Collection method: clinical testing. Allele origin: germline.
Comment: This sequence change replaces histidine, which is basic and polar, with tyrosine, which is neutral and polar, at codon 39 of the STX11 protein (p.His39Tyr). This variant is not present in population databases (gnomAD no frequency). This variant has not been reported in the literature in individuals affected with STX11-related conditions. Algorithms developed to predict the effect of missense changes on protein structure and function output the following: SIFT: "Tolerated"; PolyPhen-2: "Benign"; Align-GVGD: "Class C0". The tyrosine amino acid residue is found in multiple mammalian species, which suggests that this missense change does not adversely affect protein function. In summary, the available evidence is currently insufficient to determine the role of this variant in disease. Therefore, it has been classified as a Variant of Uncertain Significance.

NM_003764.4(STX11):c.115C>T (p.His39Tyr)

Gene: STX11 (syntaxin 11; plus strand). Cytogenetic location: 6q24.2.
Variant type: single nucleotide variant.
Coding change: c.115C>T on transcript NM_003764.4 (MANE Select); coding-DNA position 115, C replaced by T.
Protein change: p.His39Tyr; replaces histidine 39 with tyrosine.
Molecular consequence: missense variant.
Genome position (GRCh38, 1-based): chr6:144,186,742, C>T. VCF-style: chr6-144186742-C-T. GRCh37 (hg19) VCF-style: chr6-144507879-C-T.
Other names: short protein forms H39Y.
Identifiers: ClinVar variation 1442919 (VCV001442919.5), dbSNP rs1018799133, ClinGen allele CA365948565.